The following is an entry in ClinVar:

NM_001458.5(FLNC):c.5299-16C>T

Genes: FLNC-AS1 (FLNC antisense RNA 1; minus strand), FLNC (filamin C; plus strand). Cytogenetic location: 7q32.1.
Variant type: single nucleotide variant.
Coding change: c.5299-16C>T on transcript NM_001458.5 (MANE Select); 16 bases into the intron before coding-DNA position 5299, C replaced by T.
Molecular consequence: intron variant. On other transcripts: non-coding transcript variant (1).
Genome position (GRCh38, 1-based): chr7:128,850,368, C>T. VCF-style: chr7-128850368-C-T. GRCh37 (hg19) VCF-style: chr7-128490422-C-T.
Other names: c.5200-16C>T (NM_001127487.2).
Identifiers: ClinVar variation 508233 (VCV000508233.9), dbSNP rs753681565, ClinGen allele CA4475648.
Genomic context (GRCh38, chr7:128,850,368, plus strand): 5'-TCCAGCTTCAGTCATAGCATGGGTCAAACTCCTGGGCCTTCCCCAGTCACTGACTGTTCC[C>T]TCTCACCTGCTGCAGGCCACAGAGGAGCCAGTGGTGCCTGTGGAGCCAATGGAGTCCATG-3'

ClinVar aggregate classification (germline): Benign/Likely benign. Review status: criteria provided, multiple submitters, no conflicts (2 of 4 stars). 2 submissions from 2 submitters: Benign (1); Likely benign (1). Last evaluated 2026-01-28.

Conditions:
Myofibrillar myopathy 5. Also called: Filaminopathy (type); FILAMINOPATHY, AUTOSOMAL DOMINANT. Identifiers: Orphanet 171445, MedGen C1836050, MONDO:0012289, OMIM 609524.
Distal myopathy with posterior leg and anterior hand involvement. Also called: WILLIAMS DISTAL MYOPATHY. Identifiers: Orphanet 63273, MedGen C3279722, MONDO:0013550, OMIM 614065.
Hypertrophic cardiomyopathy 26. Also called: Cardiomyopathy, familial hypertrophic, 26. Identifiers: Orphanet 75249, MedGen C4310749, MONDO:0014883, OMIM 617047.

Allele frequency attached by ClinVar (database versions not stated): ExAC 0.00004; gnomAD 0.00006 and 0.00009; gnomAD exomes 0.00006 and 0.00010; TOPMed 0.00008.

Submissions (2):

Labcorp Genetics (formerly Invitae), Labcorp
Classification: Benign for Distal myopathy with posterior leg and anterior hand involvement; Myofibrillar myopathy 5; Hypertrophic cardiomyopathy 26. Last evaluated: 2026-01-28. Review status: criteria provided, single submitter. Criteria: Invitae Variant Classification Sherloc (09022015). Collection method: clinical testing. Allele origin: germline.

GeneDx
Classification: Likely benign. Last evaluated: 2017-03-23. Review status: criteria provided, single submitter. Criteria: GeneDx Variant Classification (06012015). Collection method: clinical testing. Allele origin: germline. Affected: yes.
Comment: This variant is considered likely benign or benign based on one or more of the following criteria: it is a conservative change, it occurs at a poorly conserved position in the protein, it is predicted to be benign by multiple in silico algorithms, and/or has population frequency not consistent with disease.